The following is an entry in ClinVar:

NM_182961.4(SYNE1):c.22282A>C (p.Lys7428Gln)

Gene: SYNE1 (spectrin repeat containing nuclear envelope protein 1; minus strand). Cytogenetic location: 6q25.2.
Variant type: single nucleotide variant.
Coding change: c.22282A>C on transcript NM_182961.4 (MANE Select); coding-DNA position 22282, A replaced by C.
Protein change: p.Lys7428Gln; replaces lysine 7428 with glutamine.
Molecular consequence: missense variant.
Genome position (GRCh38, 1-based): chr6:152,214,970, T>G on the plus strand (A>C on the coding strand, the complement: SYNE1 is on the minus strand). VCF-style: chr6-152214970-T-G. GRCh37 (hg19) VCF-style: chr6-152536105-T-G.
Other names: c.22069A>C, p.Lys7357Gln (NM_033071.5); short protein forms K7357Q, K7428Q.
Identifiers: ClinVar variation 432536 (VCV000432536.2), dbSNP rs771618181, ClinGen allele CA4053917.

ClinVar aggregate classification (germline): Uncertain significance (1 of 4 stars; one submission).

Allele frequency attached by ClinVar (database versions not stated): gnomAD 0.00001; gnomAD exomes 0.00001 and below 0.00001; TOPMed 0.00003; ExAC 0.00001.
gnomAD v4.1: 19 of 1,614,050 alleles (0.0012%); highest among the groups gnomAD compares: Non-Finnish European, 0.0016%; no homozygotes.

Submission:

GeneDx
Classification: Uncertain significance. Last evaluated: 2017-06-07. Review status: criteria provided, single submitter. Criteria: GeneDx Variant Classification (06012015). Collection method: clinical testing. Allele origin: germline. Affected: yes.
Comment: A variant of uncertain significance has been identified in the SYNE1 gene. The K7357Q variant has not been published as a pathogenic variant, nor has it been reported as a benign variant to our knowledge. The K7357Q variant is not observed at a significant frequency in large population cohorts (Lek et al., 2016; 1000 Genomes Consortium et al., 2015; Exome Variant Server). The K7357Q variant is a semi-conservative amino acid substitution, which may impact secondary protein structure as these residues differ in some properties.. This substitution occurs at a position that is conserved across species and in silico analysis predicts this variant is probably damaging to the protein structure/function. However, missense variants in nearby residues have not been reported in Human Gene Mutation Database in association with SYNE1-related disorder (Stenson et al., 2014). Therefore, based on the currently available information, it is unclear whether this variant is a pathogenic variant or a rare benign variant.